The following is an entry in ClinVar:

NM_005477.3(HCN4):c.2773C>G (p.Leu925Val)

Gene: HCN4 (hyperpolarization activated cyclic nucleotide gated potassium channel 4; minus strand). Cytogenetic location: 15q24.1.
Variant type: single nucleotide variant.
Coding change: c.2773C>G on transcript NM_005477.3 (MANE Select); coding-DNA position 2773, C replaced by G.
Protein change: p.Leu925Val; replaces leucine 925 with valine.
Molecular consequence: missense variant.
Genome position (GRCh38, 1-based): chr15:73,323,320, G>C on the plus strand (C>G on the coding strand, the complement: HCN4 is on the minus strand). VCF-style: chr15-73323320-G-C. GRCh37 (hg19) VCF-style: chr15-73615661-G-C.
Other names: short protein forms L925V.
Identifiers: ClinVar variation 1979686 (VCV001979686.4), dbSNP rs2549068613, ClinGen allele CA393088071.

ClinVar aggregate classification (germline): Uncertain significance (1 of 4 stars; one submission).

Conditions:
Brugada syndrome 8 (BRGDA8). Identifiers: Orphanet 130, MedGen C2751083, MONDO:0013148, OMIM 613123.

gnomAD v4.1: 7 of 1,559,012 alleles (0.00045%); highest among the groups gnomAD compares: Non-Finnish European, 0.00043%; no homozygotes.

Submission:

Labcorp Genetics (formerly Invitae), Labcorp
Classification: Uncertain significance for Brugada syndrome 8. Last evaluated: 2022-07-14. Review status: criteria provided, single submitter. Criteria: Invitae Variant Classification Sherloc (09022015). Collection method: clinical testing. Allele origin: germline.
Comment: This sequence change replaces leucine, which is neutral and non-polar, with valine, which is neutral and non-polar, at codon 925 of the HCN4 protein (p.Leu925Val). This variant is not present in population databases (gnomAD no frequency). This variant has not been reported in the literature in individuals affected with HCN4-related conditions. Advanced modeling of protein sequence and biophysical properties (such as structural, functional, and spatial information, amino acid conservation, physicochemical variation, residue mobility, and thermodynamic stability) performed at Invitae indicates that this missense variant is not expected to disrupt HCN4 protein function. In summary, the available evidence is currently insufficient to determine the role of this variant in disease. Therefore, it has been classified as a Variant of Uncertain Significance.